The following is an entry in ClinVar:

NM_000243.3(MEFV):c.10A>G (p.Thr4Ala)

Gene: MEFV (MEFV innate immunity regulator, pyrin; minus strand). Cytogenetic location: 16p13.3.
Variant type: single nucleotide variant.
Coding change: c.10A>G on transcript NM_000243.3 (MANE Select); coding-DNA position 10, A replaced by G.
Protein change: p.Thr4Ala; replaces threonine 4 with alanine.
Molecular consequence: missense variant.
Genome position (GRCh38, 1-based): chr16:3,256,578, T>C on the plus strand (A>G on the coding strand, the complement: MEFV is on the minus strand). VCF-style: chr16-3256578-T-C. GRCh37 (hg19) VCF-style: chr16-3306578-T-C.
Other names: c.10A>G, p.Thr4Ala (NM_001198536.2); short protein forms T4A.
Identifiers: ClinVar variation 2102387 (VCV002102387.3), dbSNP rs975892709, ClinGen allele CA394486932.

ClinVar aggregate classification (germline): Uncertain significance (1 of 4 stars; one submission).

Conditions:
Familial Mediterranean fever (FMF). Also called: POLYSEROSITIS, FAMILIAL PAROXYSMAL; POLYSEROSITIS, RECURRENT; Periodic peritonitis; Benign paroxysmal peritonitis. Identifiers: Orphanet 342, MedGen C0031069, MONDO:0018088, OMIM 249100. Disease mechanism: gain of function.

Allele frequency attached by ClinVar (database versions not stated): TOPMed 0.00002.

Submission:

Labcorp Genetics (formerly Invitae), Labcorp
Classification: Uncertain significance for Familial Mediterranean fever. Last evaluated: 2023-05-29. Review status: criteria provided, single submitter. Criteria: Invitae Variant Classification Sherloc (09022015). Collection method: clinical testing. Allele origin: germline.
Comment: An algorithm developed to predict the effect of missense changes on protein structure and function (PolyPhen-2) suggests that this variant is likely to be disruptive. In summary, the available evidence is currently insufficient to determine the role of this variant in disease. Therefore, it has been classified as a Variant of Uncertain Significance. ClinVar contains an entry for this variant (Variation ID: 2102387). This variant has not been reported in the literature in individuals affected with MEFV-related conditions. This variant is not present in population databases (gnomAD no frequency). This sequence change replaces threonine, which is neutral and polar, with alanine, which is neutral and non-polar, at codon 4 of the MEFV protein (p.Thr4Ala).